The following is an entry in ClinVar:

NM_001322934.2(NFKB2):c.1239C>G (p.Ser413Arg)

Genes: NFKB2 (nuclear factor kappa B subunit 2; plus strand), LOC130004599 (ATAC-STARR-seq lymphoblastoid silent region 2756; plus strand). Cytogenetic location: 10q24.32.
Variant type: single nucleotide variant.
Coding change: c.1239C>G on transcript NM_001322934.2 (MANE Select); coding-DNA position 1239, C replaced by G.
Protein change: p.Ser413Arg; replaces serine 413 with arginine.
Molecular consequence: missense variant.
Genome position (GRCh38, 1-based): chr10:102,399,409, C>G. VCF-style: chr10-102399409-C-G. GRCh37 (hg19) VCF-style: chr10-104159166-C-G.
Other names: c.1113C>G, p.Ser371Arg (NM_001322935.1); c.1239C>G, p.Ser413Arg (NM_002502.6, NM_001077493.1, NM_001077494.3 and 2 more transcripts); short protein forms S371R, S413R.
Identifiers: ClinVar variation 2771482 (VCV002771482.3), dbSNP rs754161972, ClinGen allele CA377899077.

ClinVar aggregate classification (germline): Uncertain significance (1 of 4 stars; one submission).

Conditions:
Immunodeficiency, common variable, 10. Also called: IMMUNODEFICIENCY, COMMON VARIABLE, WITH CENTRAL ADRENAL INSUFFICIENCY; DEFICIT IN ANTERIOR PITUITARY FUNCTION AND VARIABLE IMMUNODEFICIENCY. Identifiers: MedGen C3809991, MONDO:0014260, OMIM 615577.

Submission:

Labcorp Genetics (formerly Invitae), Labcorp
Classification: Uncertain significance for Immunodeficiency, common variable, 10. Last evaluated: 2023-10-23. Review status: criteria provided, single submitter. Criteria: Invitae Variant Classification Sherloc (09022015). Collection method: clinical testing. Allele origin: germline.
Comment: This sequence change replaces serine, which is neutral and polar, with arginine, which is basic and polar, at codon 413 of the NFKB2 protein (p.Ser413Arg). This variant is not present in population databases (gnomAD no frequency). This variant has not been reported in the literature in individuals affected with NFKB2-related conditions. Algorithms developed to predict the effect of missense changes on protein structure and function output the following: SIFT: "Not Available"; PolyPhen-2: "Benign"; Align-GVGD: "Not Available". The arginine amino acid residue is found in multiple mammalian species, which suggests that this missense change does not adversely affect protein function. In summary, the available evidence is currently insufficient to determine the role of this variant in disease. Therefore, it has been classified as a Variant of Uncertain Significance.